The following is an entry in ClinVar:

NM_030962.4(SBF2):c.5245A>G (p.Thr1749Ala)

Genes: SBF2-AS1 (SBF2 antisense RNA 1; plus strand), SBF2 (SET binding factor 2; minus strand), LOC105369149 (uncharacterized LOC105369149; plus strand). Cytogenetic location: 11p15.4.
Variant type: single nucleotide variant.
Coding change: c.5245A>G on transcript NM_030962.4 (MANE Select); coding-DNA position 5245, A replaced by G.
Protein change: p.Thr1749Ala; replaces threonine 1749 with alanine.
Molecular consequence: missense variant.
Genome position (GRCh38, 1-based): chr11:9,784,425, T>C on the plus strand (A>G on the coding strand, the complement: SBF2 is on the minus strand). VCF-style: chr11-9784425-T-C. GRCh37 (hg19) VCF-style: chr11-9805972-T-C.
Other names: c.5341A>G, p.Thr1781Ala (NM_001386339.1); c.5116A>G, p.Thr1706Ala (NM_001386342.1); short protein forms T1749A, T1706A, T1781A.
Identifiers: ClinVar variation 543427 (VCV000543427.11), dbSNP rs1288312315, ClinGen allele CA379631374.

ClinVar aggregate classification (germline): Uncertain significance (1 of 4 stars; one submission).

Conditions:
Charcot-Marie-Tooth disease type 4. Also called: Charcot-Marie-Tooth disease, type IV; Charcot-Marie-Tooth, Type 4. Identifiers: Orphanet 64749, MedGen C4082197, MONDO:0018995.

Allele frequency attached by ClinVar (database versions not stated): gnomAD exomes below 0.00001 and 0.00001; TOPMed below 0.00001.
gnomAD v4.1: 5 of 1,613,860 alleles (0.00031%); highest among the groups gnomAD compares: Non-Finnish European, 0.00042%; no homozygotes.

Submission:

Labcorp Genetics (formerly Invitae), Labcorp
Classification: Uncertain significance for Charcot-Marie-Tooth disease type 4. Last evaluated: 2025-01-06. Review status: criteria provided, single submitter. Criteria: Invitae Variant Classification Sherloc (09022015). Collection method: clinical testing. Allele origin: germline.
Comment: This sequence change replaces threonine, which is neutral and polar, with alanine, which is neutral and non-polar, at codon 1749 of the SBF2 protein (p.Thr1749Ala). This variant is present in population databases (no rsID available, gnomAD 0.002%). This variant has not been reported in the literature in individuals affected with SBF2-related conditions. ClinVar contains an entry for this variant (Variation ID: 543427). Invitae Evidence Modeling of protein sequence and biophysical properties (such as structural, functional, and spatial information, amino acid conservation, physicochemical variation, residue mobility, and thermodynamic stability) indicates that this missense variant is not expected to disrupt SBF2 protein function with a negative predictive value of 80%. In summary, the available evidence is currently insufficient to determine the role of this variant in disease. Therefore, it has been classified as a Variant of Uncertain Significance.